The following is an entry in ClinVar:

NM_001326342.2(CELF2):c.1549G>A (p.Asp517Asn)

Genes: CELF2 (CUGBP Elav-like family member 2; plus strand), CELF2-AS1 (CELF2 antisense RNA 1; minus strand). Cytogenetic location: 10p14.
Variant type: single nucleotide variant.
Coding change: c.1549G>A on transcript NM_001326342.2 (MANE Select); coding-DNA position 1549, G replaced by A.
Protein change: p.Asp517Asn; replaces aspartic acid 517 with asparagine.
Molecular consequence: missense variant.
Genome position (GRCh38, 1-based): chr10:11,329,036, G>A. VCF-style: chr10-11329036-G-A. GRCh37 (hg19) VCF-style: chr10-11370999-G-A.
Other names: c.1564G>A, p.Asp522Asn (NM_001326327.2); c.1456G>A, p.Asp486Asn (NM_001326328.2, NM_001326330.2, NM_001326334.2 and 6 more transcripts); c.1438G>A, p.Asp480Asn (NM_001326329.2, NM_001326348.2, NM_001394517.1 and 2 more transcripts); c.1528G>A, p.Asp510Asn (NM_001326331.2, NM_001394502.1); c.1510G>A, p.Asp504Asn (NM_001326332.2, NM_001025077.3, NM_001326319.2); c.844G>A, p.Asp282Asn (NM_001326333.2); c.1522G>A, p.Asp508Asn (NM_001326335.2); c.1582G>A, p.Asp528Asn (NM_001326336.2); and 14 more; short protein forms D276N, D282N, D393N, D399N, D448N, D480N, D484N, D486N.
Identifiers: ClinVar variation 4086355 (VCV004086355.1).
Genomic context (GRCh38, chr10:11,329,036, plus strand): 5'-ATGAATGGCTTTCAGATCGGCATGAAACGCTTGAAGGTGCAGCTGAAGCGTTCCAAAAAC[G>A]ACAGCAAACCTTACTGATCCTAACCCCAGAGGCTCCCTGCTCTCATTTTAGCTTTCTTAG-3'
Protein context (NP_001313271.1, residues 507-521): LKVQLKRSKN[Asp517Asn]SKPY

ClinVar aggregate classification (germline): Uncertain significance (1 of 4 stars; one submission).

gnomAD v4.1: 2 of 1,612,922 alleles (0.00012%); highest among the groups gnomAD compares: Non-Finnish European, 0.000085%; no homozygotes.

Submission:

GeneDx
Classification: Uncertain significance. Last evaluated: 2025-03-20. Review status: criteria provided, single submitter. Criteria: GeneDx Variant Classification Process June 2021. Collection method: clinical testing. Allele origin: germline. Affected: yes.
Comment: Not observed at significant frequency in large population cohorts (gnomAD); In silico analysis indicates that this missense variant does not alter protein structure/function; Has not been previously published as pathogenic or benign to our knowledge